The following is an entry in ClinVar:

NM_014141.6(CNTNAP2):c.3660C>A (p.Thr1220=)

Gene: CNTNAP2 (contactin associated protein 2; plus strand). Cytogenetic location: 7q36.1.
Variant type: single nucleotide variant.
Coding change: c.3660C>A on transcript NM_014141.6 (MANE Select); coding-DNA position 3660, C replaced by A.
Protein change: p.Thr1220=; no amino-acid change (threonine 1220 retained).
Molecular consequence: synonymous variant.
Genome position (GRCh38, 1-based): chr7:148,383,833, C>A. VCF-style: chr7-148383833-C-A. GRCh37 (hg19) VCF-style: chr7-148080925-C-A.
Other names: p.T1220T:ACC>ACA.
Identifiers: ClinVar variation 205222 (VCV000205222.12), dbSNP rs573467341, ClinGen allele CA314082.

ClinVar aggregate classification (germline): Benign/Likely benign. Review status: criteria provided, multiple submitters, no conflicts (2 of 4 stars). 4 submissions from 4 submitters: Benign (1); Likely benign (3). Last evaluated 2026-01-11.

Conditions:
Autism, susceptibility to, 15. Also called: Autism susceptibility 15. Identifiers: MedGen C2677504, MONDO:0012801, OMIM 612100.
Cortical dysplasia-focal epilepsy syndrome (PTHSL1). Also called: Pitt-Hopkins-like syndrome 1. Identifiers: Orphanet 163681, Orphanet 221150, MedGen C2750246, MONDO:0012400, OMIM 610042.

Allele frequency attached by ClinVar (database versions not stated): gnomAD below 0.00001 and 0.00004; TOPMed 0.00002; gnomAD exomes 0.00006 and 0.00012; ExAC 0.00017; 1000 Genomes Project 30x 0.00031; 1000 Genomes Project 0.00040.
gnomAD v4.1: 88 of 1,614,064 alleles (0.0055%); highest among the groups gnomAD compares: South Asian, 0.09%; no homozygotes.

Submissions (4):

Labcorp Genetics (formerly Invitae), Labcorp
Classification: Likely benign for Cortical dysplasia-focal epilepsy syndrome. Last evaluated: 2026-01-11. Review status: criteria provided, single submitter. Criteria: Invitae Variant Classification Sherloc (09022015). Collection method: clinical testing. Allele origin: germline.

Fulgent Genetics
Classification: Likely benign for Cortical dysplasia-focal epilepsy syndrome; Autism, susceptibility to, 15. Last evaluated: 2021-11-18. Review status: criteria provided, single submitter. Criteria: ACMG Guidelines, 2015. Collection method: clinical testing. Allele origin: unknown.

GeneDx
Classification: Benign. Last evaluated: 2014-07-31. Review status: criteria provided, single submitter. Criteria: GeneDx Variant Classification (06012015). Collection method: clinical testing. Allele origin: germline. Affected: yes.
Comment: This variant is considered likely benign or benign based on one or more of the following criteria: it is a conservative change, it occurs at a poorly conserved position in the protein, it is predicted to be benign by multiple in silico algorithms, and/or has population frequency not consistent with disease.

Breakthrough Genomics
Classification: Likely benign. Review status: criteria provided, single submitter. Criteria: ACMG Guidelines, 2015. Collection method: not provided. Allele origin: germline. Inheritance: Autosomal recessive inheritance. Affected: yes.